The following is an entry in ClinVar:

NM_007254.4(PNKP):c.37G>T (p.Glu13Ter)

Gene: PNKP (polynucleotide kinase 3'-phosphatase; minus strand). Cytogenetic location: 19q13.33.
Variant type: single nucleotide variant.
Coding change: c.37G>T on transcript NM_007254.4 (MANE Select); coding-DNA position 37, G replaced by T.
Protein change: p.Glu13Ter; replaces glutamic acid 13 with a stop codon.
Molecular consequence: nonsense.
Genome position (GRCh38, 1-based): chr19:49,867,168, C>A on the plus strand (G>T on the coding strand, the complement: PNKP is on the minus strand). VCF-style: chr19-49867168-C-A. GRCh37 (hg19) VCF-style: chr19-50370425-C-A.
Other names: short protein forms E13*.
Identifiers: ClinVar variation 5006027 (VCV005006027.2).

ClinVar aggregate classification (germline): Likely pathogenic (1 of 4 stars; one submission).

Conditions:
Ataxia - oculomotor apraxia type 4. Identifiers: Orphanet 459033, MedGen C4225397, MONDO:0014557, OMIM 616267.
Microcephaly, seizures, and developmental delay. Identifiers: Orphanet 1934, MedGen C3150667, MONDO:0013254, OMIM 613402.
Charcot-Marie-Tooth disease type 2B2 (CMT2B2). Also called: CHARCOT-MARIE-TOOTH DISEASE, NEURONAL, TYPE 2B2; CHARCOT-MARIE-TOOTH DISEASE, AXONAL, TYPE 2B2; Charcot-Marie-Tooth Neuropathy Type 2B2; CHARCOT-MARIE-TOOTH DISEASE, AXONAL, AUTOSOMAL RECESSIVE, TYPE 2B2. Identifiers: Orphanet 101101, MedGen C1854150, MONDO:0011570, OMIM 605589.

gnomAD v4.1: 2 of 1,575,426 alleles (0.00013%); highest among the groups gnomAD compares: Non-Finnish European, 0.00017%; no homozygotes.

Submission:

Juno Genomics, Hangzhou Juno Genomics, Inc
Classification: Likely pathogenic for Charcot-Marie-Tooth disease type 2B2; Ataxia - oculomotor apraxia type 4; Microcephaly, seizures, and developmental delay. Review status: criteria provided, single submitter. Criteria: ACMG Guidelines, 2015. Collection method: clinical testing. Allele origin: germline.
Comment: Null variant in a gene where loss of function (LOF) is a known mechanism of disease.;Absent from controls (or at extremely low frequency if recessive) in Genome Aggregation Database.